The following is an entry in ClinVar:

NM_022166.4(XYLT1):c.2425A>G (p.Lys809Glu)

Gene: XYLT1 (xylosyltransferase 1; minus strand). Cytogenetic location: 16p12.3.
Variant type: single nucleotide variant.
Coding change: c.2425A>G on transcript NM_022166.4 (MANE Select); coding-DNA position 2425, A replaced by G.
Protein change: p.Lys809Glu; replaces lysine 809 with glutamic acid.
Molecular consequence: missense variant.
Genome position (GRCh38, 1-based): chr16:17,117,778, T>C on the plus strand (A>G on the coding strand, the complement: XYLT1 is on the minus strand). VCF-style: chr16-17117778-T-C. GRCh37 (hg19) VCF-style: chr16-17211635-T-C.
Other names: c.2425A>G (NM_022166.3); short protein forms K809E.
Identifiers: ClinVar variation 2078366 (VCV002078366.2), dbSNP rs147183404, ClinGen allele CA7927577.

ClinVar aggregate classification (germline): Uncertain significance. Review status: criteria provided, multiple submitters, no conflicts (2 of 4 stars). 2 submissions from 2 submitters: Uncertain significance (2). Last evaluated 2024-04-09.

Conditions:
Desbuquois dysplasia 1 (DBQD1). Also called: DESBUQUOIS DYSPLASIA 1, KIM VARIANT; MICROMELIC DWARFISM WITH VERTEBRAL AND METAPHYSEAL ABNORMALITIES AND ADVANCED CARPOTARSAL OSSIFICATION. Identifiers: Orphanet 1425, MedGen C4012146, MONDO:0009629, OMIM 251450.
Inborn genetic diseases. Identifiers: MedGen C0950123, MeSH D030342.

Allele frequency attached by ClinVar (database versions not stated): ExAC 0.00002; TOPMed 0.00011; gnomAD exomes 0.00012; gnomAD 0.00014; ESP Exome Variant Server 0.00023.
gnomAD v4.1: 214 of 1,613,982 alleles (0.013%); highest among the groups gnomAD compares: Non-Finnish European, 0.015%; no homozygotes.

Submissions (2):

Ambry Genetics
Classification: Uncertain significance for Inborn genetic diseases. Last evaluated: 2024-04-09. Review status: criteria provided, single submitter. Criteria: Ambry Variant Classification Scheme 2023. Collection method: clinical testing. Allele origin: germline.

Labcorp Genetics (formerly Invitae), Labcorp
Classification: Uncertain significance for Desbuquois dysplasia 1. Last evaluated: 2022-03-23. Review status: criteria provided, single submitter. Criteria: Invitae Variant Classification Sherloc (09022015). Collection method: clinical testing. Allele origin: germline.
Comment: This sequence change replaces lysine, which is basic and polar, with glutamic acid, which is acidic and polar, at codon 809 of the XYLT1 protein (p.Lys809Glu). This variant is present in population databases (rs147183404, gnomAD 0.008%). This variant has not been reported in the literature in individuals affected with XYLT1-related conditions. Algorithms developed to predict the effect of missense changes on protein structure and function are either unavailable or do not agree on the potential impact of this missense change (SIFT: "Tolerated"; PolyPhen-2: "Possibly Damaging"; Align-GVGD: "Class C0"). In summary, the available evidence is currently insufficient to determine the role of this variant in disease. Therefore, it has been classified as a Variant of Uncertain Significance.